The following is an entry in ClinVar:

ClinVar aggregate classification (germline): Uncertain significance (1 of 4 stars; one submission).

Conditions:
Epidermodysplasia verruciformis. Identifiers: Orphanet 302, MedGen C0014522, MONDO:0009176.

Allele frequency attached by ClinVar (database versions not stated): ExAC 0.00005; gnomAD exomes 0.00002.
gnomAD v4.1: 25 of 1,574,730 alleles (0.0016%); highest among the groups gnomAD compares: Non-Finnish European, 0.0021%; no homozygotes.

Submission:

Labcorp Genetics (formerly Invitae), Labcorp
Classification: Uncertain significance for Epidermodysplasia verruciformis. Last evaluated: 2021-12-15. Review status: criteria provided, single submitter. Criteria: Invitae Variant Classification Sherloc (09022015). Collection method: clinical testing. Allele origin: germline.
Comment: In summary, the available evidence is currently insufficient to determine the role of this variant in disease. Therefore, it has been classified as a Variant of Uncertain Significance. Algorithms developed to predict the effect of missense changes on protein structure and function output the following: SIFT: "Tolerated"; PolyPhen-2: "Benign"; Align-GVGD: "Class C0". The serine amino acid residue is found in multiple mammalian species, which suggests that this missense change does not adversely affect protein function. This variant has not been reported in the literature in individuals affected with TMC8-related conditions. This variant is present in population databases (rs767843139, gnomAD 0.003%). This sequence change replaces glycine, which is neutral and non-polar, with serine, which is neutral and polar, at codon 31 of the TMC8 protein (p.Gly31Ser).

NM_152468.5(TMC8):c.91G>A (p.Gly31Ser)

Genes: TMC6 (transmembrane channel like 6; minus strand), TMC8 (transmembrane channel like 8; plus strand), LOC130061792 (ATAC-STARR-seq lymphoblastoid silent region 9043; plus strand). Cytogenetic location: 17q25.3.
Variant type: single nucleotide variant.
Coding change: c.91G>A on transcript NM_152468.5 (MANE Select); coding-DNA position 91, G replaced by A.
Protein change: p.Gly31Ser; replaces glycine 31 with serine.
Molecular consequence: missense variant. On other transcripts: intron variant (1).
Genome position (GRCh38, 1-based): chr17:78,131,679, G>A. VCF-style: chr17-78131679-G-A. GRCh37 (hg19) VCF-style: chr17-76127760-G-A.
Other names: c.-75+662C>T (NM_007267.7); short protein forms G31S.
Identifiers: ClinVar variation 2422124 (VCV002422124.42), dbSNP rs767843139, ClinGen allele CA8796331.